The following is an entry in ClinVar:

ClinVar aggregate classification (germline): Uncertain significance (1 of 4 stars; one submission).

Allele frequency attached by ClinVar (database versions not stated): gnomAD exomes below 0.00001.
gnomAD v4.1: 1 of 1,472,344 alleles (0.000068%); highest among the groups gnomAD compares: Non-Finnish European, 0.00009%; no homozygotes.

Submission:

Labcorp Genetics (formerly Invitae), Labcorp
Classification: Uncertain significance. Last evaluated: 2021-10-06. Review status: criteria provided, single submitter. Criteria: Invitae Variant Classification Sherloc (09022015). Collection method: clinical testing. Allele origin: germline.
Comment: This variant has not been reported in the literature in individuals affected with PROM1-related conditions. In summary, the available evidence is currently insufficient to determine the role of this variant in disease. Therefore, it has been classified as a Variant of Uncertain Significance. Algorithms developed to predict the effect of sequence changes on RNA splicing suggest that this variant may create or strengthen a splice site. This variant is not present in population databases (ExAC no frequency). This sequence change falls in intron 1 of the PROM1 gene. It does not directly change the encoded amino acid sequence of the PROM1 protein.

NM_006017.3(PROM1):c.221-20T>G

Gene: PROM1 (prominin 1; minus strand). Cytogenetic location: 4p15.32.
Variant type: single nucleotide variant.
Coding change: c.221-20T>G on transcript NM_006017.3 (MANE Select); 20 bases into the intron before coding-DNA position 221, T replaced by G.
Molecular consequence: intron variant.
Genome position (GRCh38, 1-based): chr4:16,039,021, A>C on the plus strand (T>G on the coding strand, the complement: PROM1 is on the minus strand). VCF-style: chr4-16039021-A-C. GRCh37 (hg19) VCF-style: chr4-16040644-A-C.
Other names: c.221-20T>G (NM_001145848.2, NM_001145852.2, NM_001145847.2 and 6 more transcripts).
Identifiers: ClinVar variation 1398174 (VCV001398174.6), dbSNP rs1018149966, ClinGen allele CA92576861.